The following is an entry in ClinVar:

ClinVar aggregate classification (germline): Pathogenic (1 of 4 stars; one submission).

Conditions:
Knobloch syndrome 1 (KNO1). Identifiers: MedGen C4551775, MONDO:0800167, OMIM 267750.

Submission:

Women's Health and Genetics/Laboratory Corporation of America, LabCorp
Classification: Pathogenic for Knobloch syndrome 1. Last evaluated: 2024-12-02. Review status: criteria provided, single submitter. Criteria: LabCorp Variant Classification Summary - May 2015. Collection method: clinical testing. Allele origin: germline.
Comment: Variant summary: COL18A1 c.1002delA (p.Glu335ArgfsX4) results in a premature termination codon, predicted to cause a truncation of the encoded protein or absence of the protein due to nonsense mediated decay, which are commonly known mechanisms for disease. The variant was absent in 237462 control chromosomes. To our knowledge, no occurrence of c.1002delA in individuals affected with Knobloch Syndrome 1 and no experimental evidence demonstrating its impact on protein function have been reported. No submitters have cited clinical-significance assessments for this variant to ClinVar. Based on the evidence outlined above, the variant was classified as pathogenic.

NM_001379500.1(COL18A1):c.1002del (p.Glu335fs)

Gene: COL18A1 (collagen type XVIII alpha 1 chain; plus strand). Cytogenetic location: 21q22.3.
Variant type: Deletion.
Coding change: c.1002del on transcript NM_001379500.1 (MANE Select); coding-DNA position 1002, one base deleted (A; older notation c.1002delA).
Protein change: p.Glu335fs; shifts the reading frame from glutamic acid 335.
Molecular consequence: frameshift variant.
Genome position (GRCh38, 1-based): chr21:45,477,484, A deleted; the last of 3 consecutive A bases (chr21:45,477,482-45,477,484); deleting any one gives the same sequence. VCF-style (leftmost placement, unchanged base first): chr21-45477481-GA-G. GRCh37 (hg19) VCF-style: chr21-46897395-GA-G.
Other names: c.1002delA (NM_001379500.1); c.1542del, p.Glu515fs (NM_030582.4); c.2247del, p.Glu750fs (NM_130444.3); short protein forms E335fs, E515fs, E750fs.
Identifiers: ClinVar variation 3768373 (VCV003768373.1).